The following is an entry in ClinVar:

ClinVar aggregate classification (germline): Uncertain significance. Review status: criteria provided, multiple submitters, no conflicts (2 of 4 stars). 3 submissions from 3 submitters: Uncertain significance (3). Last evaluated 2025-12-10.

Conditions:
Idiopathic generalized epilepsy. Also called: Generalised epilepsy; EIG. Identifiers: MedGen C0270850, MONDO:0005579, OMIM 600669.
Hyperaldosteronism, familial, type IV (HALD4). Also called: FH IV; ALDOSTERONISM, PRIMARY, AND HYPERTENSION. Identifiers: Orphanet 642671, MedGen C4310756, MONDO:0014875, OMIM 617027.
Epilepsy, childhood absence, susceptibility to, 6. Identifiers: Orphanet 64280, MedGen C2749872, MONDO:0012763, OMIM 611942.

Allele frequency attached by ClinVar (database versions not stated): ExAC 0.00001; gnomAD 0.00001 and 0.00002; gnomAD exomes 0.00001; TOPMed 0.00003; 1000 Genomes Project 30x 0.00016; 1000 Genomes Project 0.00020.

Submissions (3):

Labcorp Genetics (formerly Invitae), Labcorp
Classification: Uncertain significance for Idiopathic generalized epilepsy; Hyperaldosteronism, familial, type IV. Last evaluated: 2025-12-10. Review status: criteria provided, single submitter. Criteria: Invitae Variant Classification Sherloc (09022015). Collection method: clinical testing. Allele origin: germline.
Comment: This sequence change replaces methionine, which is neutral and non-polar, with threonine, which is neutral and polar, at codon 1636 of the CACNA1H protein (p.Met1636Thr). This variant is present in population databases (rs577258290, gnomAD 0.003%). This missense change has been observed in individual(s) with epilepsy (PMID: 31069529). ClinVar contains an entry for this variant (Variation ID: 1334023). Invitae Evidence Modeling of protein sequence and biophysical properties (such as structural, functional, and spatial information, amino acid conservation, physicochemical variation, residue mobility, and thermodynamic stability) indicates that this missense variant is not expected to disrupt CACNA1H protein function with a negative predictive value of 80%. In summary, the available evidence is currently insufficient to determine the role of this variant in disease. Therefore, it has been classified as a Variant of Uncertain Significance.

Fulgent Genetics
Classification: Uncertain significance for Epilepsy, childhood absence, susceptibility to, 6; Hyperaldosteronism, familial, type IV. Last evaluated: 2021-11-01. Review status: criteria provided, single submitter. Criteria: ACMG Guidelines, 2015. Collection method: clinical testing. Allele origin: unknown.

CENTOGENE GmbH and LLC - Guiding Precision Medicine
Classification: Uncertain significance for Hyperaldosteronism, familial, type IV. Last evaluated: 2019-05-22. Review status: criteria provided, single submitter. Criteria: ACMG Guidelines, 2015. Collection method: clinical testing. Allele origin: germline.

Literature cited by the submitters: PubMed 31069529 (cited by Labcorp Genetics (formerly Invitae), Labcorp).

NM_021098.3(CACNA1H):c.4907T>C (p.Met1636Thr)

Gene: CACNA1H (calcium voltage-gated channel subunit alpha1 H; plus strand). Cytogenetic location: 16p13.3.
Variant type: single nucleotide variant.
Coding change: c.4907T>C on transcript NM_021098.3 (MANE Select); coding-DNA position 4907, T replaced by C.
Protein change: p.Met1636Thr; replaces methionine 1636 with threonine.
Molecular consequence: missense variant.
Genome position (GRCh38, 1-based): chr16:1,213,909, T>C. VCF-style: chr16-1213909-T-C. GRCh37 (hg19) VCF-style: chr16-1263909-T-C.
Other names: c.4889T>C, p.Met1630Thr (NM_001005407.2); short protein forms M1630T, M1636T.
Identifiers: ClinVar variation 1334023 (VCV001334023.7), dbSNP rs577258290, ClinGen allele CA7801663.
Genomic context (GRCh38, chr16:1,213,909, plus strand): 5'-GCCACTATCTCGACCTCTTCATCACCTTCATCATCTGTGTCAACGTCATCACCATGTCCA[T>C]GGAGCACTATAACCAACCCAAGGTGGGTGCGAGGGGGCCGCGAGGGGCCCAGGGGCTGGG-3'
Protein context (NP_066921.2, residues 1626-1646): IICVNVITMS[Met1636Thr]EHYNQPKSLD